The following is an entry in ClinVar:

ClinVar aggregate classification (germline): Uncertain significance (1 of 4 stars; one submission).

Conditions:
Familial adenomatous polyposis 1 (FAP1). Also called: FAMILIAL ADENOMATOUS POLYPOSIS 1, ATTENUATED; POLYPOSIS, ADENOMATOUS INTESTINAL. Identifiers: MedGen C2713442, MONDO:0021056, OMIM 175100. Disease mechanism: loss of function.

gnomAD v4.1: 2 of 1,613,928 alleles (0.00012%); highest among the groups gnomAD compares: Non-Finnish European, 0.000085%; no homozygotes.

Submission:

Labcorp Genetics (formerly Invitae), Labcorp
Classification: Uncertain significance for Familial adenomatous polyposis 1. Last evaluated: 2026-01-11. Review status: criteria provided, single submitter. Criteria: Invitae Variant Classification Sherloc (09022015). Collection method: clinical testing. Allele origin: germline.
Comment: This sequence change replaces aspartic acid, which is acidic and polar, with glycine, which is neutral and non-polar, at codon 1974 of the APC protein (p.Asp1974Gly). This variant is present in population databases (no rsID available, gnomAD 0.004%). This variant has not been reported in the literature in individuals affected with APC-related conditions. Invitae Evidence Modeling of protein sequence and biophysical properties (such as structural, functional, and spatial information, amino acid conservation, physicochemical variation, residue mobility, and thermodynamic stability) indicates that this missense variant is not expected to disrupt APC protein function with a negative predictive value of 95%. In summary, the available evidence is currently insufficient to determine the role of this variant in disease. Therefore, it has been classified as a Variant of Uncertain Significance.

NM_000038.6(APC):c.5921A>G (p.Asp1974Gly)

Gene: APC (APC regulator of Wnt signaling pathway; plus strand). Cytogenetic location: 5q22.2.
Variant type: single nucleotide variant.
Coding change: c.5921A>G on transcript NM_000038.6 (MANE Select); coding-DNA position 5921, A replaced by G.
Protein change: p.Asp1974Gly; replaces aspartic acid 1974 with glycine.
Molecular consequence: missense variant. On other transcripts: non-coding transcript variant (2).
Genome position (GRCh38, 1-based): chr5:112,841,515, A>G. VCF-style: chr5-112841515-A-G. GRCh37 (hg19) VCF-style: chr5-112177212-A-G.
Other names: c.5921A>G, p.Asp1974Gly (NM_001127510.3, NM_001354895.2, NM_001407450.1); c.5867A>G, p.Asp1956Gly (NM_001127511.3); c.5975A>G, p.Asp1992Gly (NM_001354896.2, NM_001407447.1, NM_001407448.1 and 1 more transcripts); c.5951A>G, p.Asp1984Gly (NM_001354897.2); c.5846A>G, p.Asp1949Gly (NM_001354898.2); c.5837A>G, p.Asp1946Gly (NM_001354899.2); c.5798A>G, p.Asp1933Gly (NM_001354900.2); c.5744A>G, p.Asp1915Gly (NM_001354901.2, NM_001407453.1); and 11 more; short protein forms D1590G, D1691G, D1814G, D1845G, D1848G, D1873G, D1883G, D1891G.
Identifiers: ClinVar variation 4810646 (VCV004810646.1).